The following is an entry in ClinVar:

NM_012338.4(TSPAN12):c.149+3A>G

Gene: TSPAN12 (tetraspanin 12; minus strand). Cytogenetic location: 7q31.31.
Variant type: single nucleotide variant.
Coding change: c.149+3A>G on transcript NM_012338.4 (MANE Select); 3 bases into the intron after coding-DNA position 149, A replaced by G.
Molecular consequence: intron variant.
Genome position (GRCh38, 1-based): chr7:120,840,024, T>C on the plus strand (A>G on the coding strand, the complement: TSPAN12 is on the minus strand). VCF-style: chr7-120840024-T-C. GRCh37 (hg19) VCF-style: chr7-120480078-T-C.
Identifiers: ClinVar variation 1216076 (VCV001216076.9), dbSNP rs367887017, ClinGen allele CA4453991.

ClinVar aggregate classification (germline): Conflicting classifications of pathogenicity. Review status: criteria provided, conflicting classifications (1 of 4 stars). 3 submissions from 3 submitters: Pathogenic (1); Likely pathogenic (1); Uncertain significance (1). Last evaluated 2025-10-17.

Conditions:
TSPAN12-related disorder. Also called: TSPAN12-related condition.

Allele frequency attached by ClinVar (database versions not stated): gnomAD exomes below 0.00001 and 0.00001; TOPMed below 0.00001; ExAC 0.00001; gnomAD 0.00001; ESP Exome Variant Server 0.00008.
gnomAD v4.1: 4 of 1,605,832 alleles (0.00025%); highest among the groups gnomAD compares: Non-Finnish European, 0.00034%; no homozygotes.

Submissions (3):

Labcorp Genetics (formerly Invitae), Labcorp
Classification: Pathogenic. Last evaluated: 2025-10-17. Review status: criteria provided, single submitter. Criteria: Invitae Variant Classification Sherloc (09022015). Collection method: clinical testing. Allele origin: germline.
Comment: This sequence change falls in intron 3 of the TSPAN12 gene. It does not directly change the encoded amino acid sequence of the TSPAN12 protein. It affects a nucleotide within the consensus splice site. This variant is present in population databases (rs367887017, gnomAD 0.007%). This variant has been observed in individuals with familial exudative vitreoretinopathy (PMID: 20159112, 30452590, 31755339). It has also been observed to segregate with disease in related individuals. ClinVar contains an entry for this variant (Variation ID: 1216076). Variants that disrupt the consensus splice site are a relatively common cause of aberrant splicing (PMID: 17576681, 9536098). Algorithms developed to predict the effect of sequence changes on RNA splicing suggest that this variant may disrupt the consensus splice site. For these reasons, this variant has been classified as Pathogenic.

Blueprint Genetics
Classification: Likely pathogenic for TSPAN12-related disorders. Last evaluated: 2024-07-24. Review status: criteria provided, single submitter. Criteria: ACMG Guidelines, 2015. Collection method: clinical testing. Allele origin: germline. Affected: yes. Observed: 1 variant allele.

GeneDx
Classification: Uncertain significance. Last evaluated: 2019-06-03. Review status: criteria provided, single submitter. Criteria: GeneDx Variant Classification Process June 2021. Collection method: clinical testing. Allele origin: germline. Affected: yes.
Comment: In-silico analysis, which includes splice predictors and evolutionary conservation, is inconclusive as to whether the variant alters gene splicing. In the absence of RNA/functional studies, the actual effect of this sequence change is unknown.; This variant is associated with the following publications: (PMID: 31755339, 30452590, 20159112)

Literature cited by the submitters: PubMed 20159112 (cited by Labcorp Genetics (formerly Invitae), Labcorp); PubMed 30452590 (cited by Labcorp Genetics (formerly Invitae), Labcorp); PubMed 31755339 (cited by Labcorp Genetics (formerly Invitae), Labcorp); PubMed 17576681 (cited by Labcorp Genetics (formerly Invitae), Labcorp); PubMed 9536098 (cited by Labcorp Genetics (formerly Invitae), Labcorp).